The following is an entry in ClinVar:

ClinVar aggregate classification (germline): Uncertain significance (1 of 4 stars; one submission).

gnomAD v4.1: 65 of 1,614,038 alleles (0.004%); highest among the groups gnomAD compares: Non-Finnish European, 0.0053%; 1 homozygote.

Submission:

Labcorp Genetics (formerly Invitae), Labcorp
Classification: Uncertain significance. Last evaluated: 2025-09-17. Review status: criteria provided, single submitter. Criteria: Invitae Variant Classification Sherloc (09022015). Collection method: clinical testing. Allele origin: germline.
Comment: This sequence change replaces threonine, which is neutral and polar, with proline, which is neutral and non-polar, at codon 995 of the TET2 protein (p.Thr995Pro). This variant is present in population databases (rs778911750, gnomAD 0.007%). This variant has not been reported in the literature in individuals affected with TET2-related conditions. ClinVar contains an entry for this variant (Variation ID: 3707290). An algorithm developed to predict the effect of missense changes on protein structure and function outputs the following: PolyPhen-2: "Benign". The proline amino acid residue is found in multiple mammalian species, which suggests that this missense change does not adversely affect protein function. In summary, the available evidence is currently insufficient to determine the role of this variant in disease. Therefore, it has been classified as a Variant of Uncertain Significance.

NM_001127208.3(TET2):c.2983A>C (p.Thr995Pro)

Genes: TET2 (tet methylcytosine dioxygenase 2; plus strand), TET2-AS1 (TET2 antisense RNA 1; minus strand). Cytogenetic location: 4q24.
Variant type: single nucleotide variant.
Coding change: c.2983A>C on transcript NM_001127208.3 (MANE Select); coding-DNA position 2983, A replaced by C.
Protein change: p.Thr995Pro; replaces threonine 995 with proline.
Molecular consequence: missense variant.
Genome position (GRCh38, 1-based): chr4:105,236,925, A>C. VCF-style: chr4-105236925-A-C. GRCh37 (hg19) VCF-style: chr4-106158082-A-C.
Other names: c.2983A>C, p.Thr995Pro (NM_017628.4); short protein forms T995P.
Identifiers: ClinVar variation 3707290 (VCV003707290.2).